The following is an entry in ClinVar:

ClinVar aggregate classification (germline): Uncertain significance (1 of 4 stars; one submission).

Conditions:
Familial adenomatous polyposis 1 (FAP1). Also called: POLYPOSIS, ADENOMATOUS INTESTINAL; FAMILIAL ADENOMATOUS POLYPOSIS 1, ATTENUATED. Identifiers: MedGen C2713442, MONDO:0021056, OMIM 175100. Disease mechanism: loss of function.

Submission:

Labcorp Genetics (formerly Invitae), Labcorp
Classification: Uncertain significance for Familial adenomatous polyposis 1. Last evaluated: 2023-02-11. Review status: criteria provided, single submitter. Criteria: Invitae Variant Classification Sherloc (09022015). Collection method: clinical testing. Allele origin: germline.
Comment: In summary, the available evidence is currently insufficient to determine the role of this variant in disease. Therefore, it has been classified as a Variant of Uncertain Significance. Advanced modeling of protein sequence and biophysical properties (such as structural, functional, and spatial information, amino acid conservation, physicochemical variation, residue mobility, and thermodynamic stability) performed at Invitae indicates that this missense variant is not expected to disrupt APC protein function. This sequence change replaces threonine, which is neutral and polar, with proline, which is neutral and non-polar, at codon 2269 of the APC protein (p.Thr2269Pro). This variant is not present in population databases (gnomAD no frequency). This variant has not been reported in the literature in individuals affected with APC-related conditions. ClinVar contains an entry for this variant (Variation ID: 575091).

NM_000038.6(APC):c.6805A>C (p.Thr2269Pro)

Gene: APC (APC regulator of Wnt signaling pathway; plus strand). Cytogenetic location: 5q22.2.
Variant type: single nucleotide variant.
Coding change: c.6805A>C on transcript NM_000038.6 (MANE Select); coding-DNA position 6805, A replaced by C.
Protein change: p.Thr2269Pro; replaces threonine 2269 with proline.
Molecular consequence: missense variant.
Genome position (GRCh38, 1-based): chr5:112,842,399, A>C. VCF-style: chr5-112842399-A-C. GRCh37 (hg19) VCF-style: chr5-112178096-A-C.
Other names: c.6805A>C, p.Thr2269Pro (NM_001127510.3, NM_001354895.2); c.6751A>C, p.Thr2251Pro (NM_001127511.3); c.6859A>C, p.Thr2287Pro (NM_001354896.2); c.6835A>C, p.Thr2279Pro (NM_001354897.2); c.6730A>C, p.Thr2244Pro (NM_001354898.2); c.6721A>C, p.Thr2241Pro (NM_001354899.2); c.6682A>C, p.Thr2228Pro (NM_001354900.2); c.6628A>C, p.Thr2210Pro (NM_001354901.2); and 5 more; short protein forms T2251P, T2269P, T2178P, T2279P, T2109P, T2210P, T2228P, T2244P.
Identifiers: ClinVar variation 575091 (VCV000575091.10), dbSNP rs1561610335, ClinGen allele CA16036191.